The following is an entry in ClinVar:

NM_005591.4(MRE11):c.840A>G (p.Val280=)

Gene: MRE11 (MRE11 double strand break repair nuclease; minus strand). Cytogenetic location: 11q21.
Variant type: single nucleotide variant.
Coding change: c.840A>G on transcript NM_005591.4 (MANE Select); coding-DNA position 840, A replaced by G.
Protein change: p.Val280=; no amino-acid change (valine 280 retained).
Molecular consequence: synonymous variant.
Genome position (GRCh38, 1-based): chr11:94,471,579, T>C on the plus strand (A>G on the coding strand, the complement: MRE11 is on the minus strand). VCF-style: chr11-94471579-T-C. GRCh37 (hg19) VCF-style: chr11-94204745-T-C.
Other names: c.840A>G, p.Val280= (NM_001330347.2, NM_005590.4).
Identifiers: ClinVar variation 184582 (VCV000184582.15), dbSNP rs786201550, ClinGen allele CA189366.
Genomic context (GRCh38, chr11:94,471,579, plus strand): 5'-TTAGTTATTATAGCAAAGATTTCTTAAAAATTGGCTCAAAATATATAACACTCACTTCTT[T>C]ACAGCTTCTCCTGGGGAAAGAGAAGTAACCACTGAGCTTCCAGGTTGTGAGATATAAAAC-3'
Protein context (NP_005582.1, residues 270-290): VVTSLSPGEA[Val280=]KKHVGLLRIK

ClinVar aggregate classification (germline): Likely benign. Review status: criteria provided, multiple submitters, no conflicts (2 of 4 stars). 3 submissions from 3 submitters: Likely benign (2). 1 of the submissions does not count toward it. Last evaluated 2024-08-28.

Conditions:
Ataxia-telangiectasia-like disorder (ATLD). Identifiers: MedGen C1858391, MONDO:0011457.
MRE11-related disorder. Also called: MRE11-related condition.
Hereditary cancer-predisposing syndrome. Also called: Hereditary neoplastic syndrome; Neoplastic Syndromes, Hereditary; Tumor predisposition; Hereditary Cancer Syndrome. Identifiers: Orphanet 140162, MedGen C0027672, MeSH D009386, MONDO:0015356.

Allele frequency attached by ClinVar (database versions not stated): gnomAD 0.00001; TOPMed 0.00001; gnomAD exomes 0.00003.
gnomAD v4.1: 38 of 1,612,224 alleles (0.0024%); highest among the groups gnomAD compares: Non-Finnish European, 0.0031%; no homozygotes.

Submissions (3):

Labcorp Genetics (formerly Invitae), Labcorp
Classification: Likely benign for Ataxia-telangiectasia-like disorder. Last evaluated: 2024-08-28. Review status: criteria provided, single submitter. Criteria: Invitae Variant Classification Sherloc (09022015). Collection method: clinical testing. Allele origin: germline.

Ambry Genetics
Classification: Likely benign for Hereditary cancer-predisposing syndrome. Last evaluated: 2015-05-14. Review status: criteria provided, single submitter. Criteria: Ambry Variant Classification Scheme 2023. Collection method: clinical testing. Allele origin: germline.

PreventionGenetics, part of Exact Sciences
Classification: Likely benign for MRE11-related condition. Last evaluated: 2019-12-11. Review status: no assertion criteria provided. Collection method: clinical testing. Allele origin: germline. Not counted in ClinVar's aggregate classification.
Comment: This variant is classified as likely benign based on ACMG/AMP sequence variant interpretation guidelines (Richards et al. 2015 PMID: 25741868, with internal and published modifications).